The following is an entry in ClinVar:

NM_144643.4(SCLT1):c.809_810del (p.Glu270fs)

Gene: SCLT1 (sodium channel and clathrin linker 1; minus strand). Cytogenetic location: 4q28.2.
Variant type: Microsatellite.
Coding change: c.809_810del on transcript NM_144643.4 (MANE Select); coding-DNA positions 809 to 810, 2 bases deleted (AG; older notation c.809_810delAG).
Protein change: p.Glu270fs; shifts the reading frame from glutamic acid 270.
Molecular consequence: frameshift variant.
Genome position (GRCh38, 1-based): chr4:128,965,286-128,965,287, CT deleted on the plus strand (AG on the coding strand, the reverse complement: SCLT1 is on the minus strand); deleting any 2 consecutive bases within chr4:128,965,286-128,965,291 gives the same sequence; the c. name uses the placement nearest the transcript's 3' end. VCF-style (leftmost placement, unchanged base first): chr4-128965285-CCT-C. GRCh37 (hg19) VCF-style: chr4-129886440-CCT-C.
Other names: c.809_810del, p.Glu270fs (NM_001410807.1); short protein forms E270fs.
Identifiers: ClinVar variation 3638190 (VCV003638190.2).

ClinVar aggregate classification (germline): Pathogenic (1 of 4 stars; one submission).

Submission:

Labcorp Genetics (formerly Invitae), Labcorp
Classification: Pathogenic. Last evaluated: 2024-02-02. Review status: criteria provided, single submitter. Criteria: Invitae Variant Classification Sherloc (09022015). Collection method: clinical testing. Allele origin: germline.
Comment: This sequence change creates a premature translational stop signal (p.Glu270Glyfs*5) in the SCLT1 gene. It is expected to result in an absent or disrupted protein product. Loss-of-function variants in SCLT1 are known to be pathogenic (PMID: 28005958). This variant is not present in population databases (gnomAD no frequency). This variant has not been reported in the literature in individuals affected with SCLT1-related conditions. For these reasons, this variant has been classified as Pathogenic.

Literature cited by the submitters: PubMed 28005958.